The following is an entry in ClinVar:

ClinVar aggregate classification (germline): Uncertain significance (1 of 4 stars; one submission).

Conditions:
DYRK1B-related disorder. Also called: DYRK1B-related condition.

Submission:

PreventionGenetics, part of Exact Sciences
Classification: Uncertain significance for DYRK1B-related condition. Last evaluated: 2025-04-17. Review status: criteria provided, single submitter. Criteria: ACMG Guidelines, 2015. Collection method: clinical testing. Allele origin: germline.
Comment: The DYRK1B c.1148C>A variant is predicted to result in the amino acid substitution p.Thr383Lys. To our knowledge, this variant has not been reported in the literature. This variant is reported in 0.012% of alleles in individuals of African descent in gnomAD. At this time, the clinical significance of this variant is uncertain due to the absence of conclusive functional and genetic evidence.

NM_004714.3(DYRK1B):c.1148C>A (p.Thr383Lys)

Gene: DYRK1B (dual specificity tyrosine phosphorylation regulated kinase 1B; minus strand). Cytogenetic location: 19q13.2.
Variant type: single nucleotide variant.
Coding change: c.1148C>A on transcript NM_004714.3 (MANE Select); coding-DNA position 1148, C replaced by A.
Protein change: p.Thr383Lys; replaces threonine 383 with lysine.
Molecular consequence: missense variant. On other transcripts: intron variant (2).
Genome position (GRCh38, 1-based): chr19:39,826,935, G>T on the plus strand (C>A on the coding strand, the complement: DYRK1B is on the minus strand). VCF-style: chr19-39826935-G-T. GRCh37 (hg19) VCF-style: chr19-40317575-G-T.
Other names: c.1096-68C>A (NM_006483.3); c.1131+17C>A (NM_006484.3); short protein forms T383K.
Identifiers: ClinVar variation 4998812 (VCV004998812.1).